The following is an entry in ClinVar:

NM_032578.4(MYPN):c.1555A>G (p.Asn519Asp)

Gene: MYPN (myopalladin; plus strand). Cytogenetic location: 10q21.3.
Variant type: single nucleotide variant.
Coding change: c.1555A>G on transcript NM_032578.4 (MANE Select); coding-DNA position 1555, A replaced by G.
Protein change: p.Asn519Asp; replaces asparagine 519 with aspartic acid.
Molecular consequence: missense variant. On other transcripts: non-coding transcript variant (2).
Genome position (GRCh38, 1-based): chr10:68,165,773, A>G. VCF-style: chr10-68165773-A-G. GRCh37 (hg19) VCF-style: chr10-69925530-A-G.
Other names: c.1555A>G, p.Asn519Asp (NM_001256267.2); c.673A>G, p.Asn225Asp (NM_001256268.2); short protein forms N519D, N225D.
Identifiers: ClinVar variation 1399679 (VCV001399679.11), dbSNP rs768901494, ClinGen allele CA5522606.
Genomic context (GRCh38, chr10:68,165,773, plus strand): 5'-ACCTTGGTCATTGCTGAGGTGTTTGCAGAAGATTCTGGGTGCTTCACATGTACTGCAAGC[A>G]ACAAATACGGCACAGTGTCAAGCATTGCACAGCTGCACGTGAGAGGTAAGGACTCTTTAA-3'
Protein context (NP_115967.2, residues 509-529): DSGCFTCTAS[Asn519Asp]KYGTVSSIAQ

ClinVar aggregate classification (germline): Uncertain significance. Review status: criteria provided, multiple submitters, no conflicts (2 of 4 stars). 2 submissions from 2 submitters: Uncertain significance (2). Last evaluated 2025-02-21.

Conditions:
Cardiovascular phenotype. Identifiers: MedGen CN230736.
Dilated cardiomyopathy 1KK (CMD1KK). Identifiers: Orphanet 154, Orphanet 75249, MedGen C3714995, MONDO:0014100, OMIM 615248.

Allele frequency attached by ClinVar (database versions not stated): ExAC 0.00001; gnomAD 0.00001; gnomAD exomes 0.00001; TOPMed 0.00001.
gnomAD v4.1: 4 of 1,614,100 alleles (0.00025%); highest among the groups gnomAD compares: Admixed American, 0.0067%; no homozygotes.

Submissions (2):

Labcorp Genetics (formerly Invitae), Labcorp
Classification: Uncertain significance for Dilated cardiomyopathy 1KK. Last evaluated: 2025-02-21. Review status: criteria provided, single submitter. Criteria: Invitae Variant Classification Sherloc (09022015). Collection method: clinical testing. Allele origin: germline.
Comment: This sequence change replaces asparagine, which is neutral and polar, with aspartic acid, which is acidic and polar, at codon 519 of the MYPN protein (p.Asn519Asp). This variant is present in population databases (rs768901494, gnomAD 0.009%). This variant has not been reported in the literature in individuals affected with MYPN-related conditions. ClinVar contains an entry for this variant (Variation ID: 1399679). An algorithm developed to predict the effect of missense changes on protein structure and function (PolyPhen-2) suggests that this variant is likely to be disruptive. In summary, the available evidence is currently insufficient to determine the role of this variant in disease. Therefore, it has been classified as a Variant of Uncertain Significance.

Ambry Genetics
Classification: Uncertain significance for Cardiovascular phenotype. Last evaluated: 2024-05-25. Review status: criteria provided, single submitter. Criteria: Ambry Variant Classification Scheme 2023. Collection method: clinical testing. Allele origin: germline.
Comment: The p.N519D variant (also known as c.1555A>G), located in coding exon 8 of the MYPN gene, results from an A to G substitution at nucleotide position 1555. The asparagine at codon 519 is replaced by aspartic acid, an amino acid with highly similar properties. This amino acid position is highly conserved in available vertebrate species. In addition, the in silico prediction for this alteration is inconclusive. Since supporting evidence is limited at this time, the clinical significance of this alteration remains unclear.